The following is an entry in ClinVar:

ClinVar aggregate classification (germline): Likely pathogenic. Review status: reviewed by expert panel (3 of 4 stars). 3 submissions from 3 submitters: Likely pathogenic (1). 2 of the submissions do not count toward it. Last evaluated 2018-12-09.

Conditions:
Phenylketonuria (PKU). Also called: Phenylketonuria (PKU); FOLLING DISEASE; OLIGOPHRENIA PHENYLPYRUVICA; Phenylketonurias. Identifiers: Orphanet 716, MedGen C0031485, MONDO:0009861, OMIM 261600. Disease mechanism: loss of function.

Submissions (3):

ClinGen PAH Variant Curation Expert Panel
Classification: Likely pathogenic for Phenylketonuria. Last evaluated: 2018-12-09. Review status: reviewed by expert panel. Criteria: ClinGen PAH ACMG Specifications v1. Collection method: curation. Allele origin: germline. Inheritance: Autosomal recessive inheritance.
Comment: BH4 deficiency was ruled out. (PMID: 9521426). It was detected in trans with known pathogenic mutation c.143T>C (p.L48S). It has an extremely low frequency in PAGE (0.00026); and is absent from ExAC, 1000 Genomes, gnomAD. Multiple lines of computational evidence support a deleterious effect (SIFT, Polyphen-2, MutationTaster; REVEL=0.957). In summary, this variant meets criteria to be classified as likely pathogenic for PAH. PAH-specific ACMG/AMP criteria applied: PM2, PM3, PP4_Moderate, PP3.

Women's Health and Genetics/Laboratory Corporation of America, LabCorp
Classification: Pathogenic for Phenylketonuria. Last evaluated: 2025-01-21. Review status: criteria provided, single submitter. Criteria: LabCorp Variant Classification Summary - May 2015. Collection method: clinical testing. Allele origin: germline. Not counted in ClinVar's aggregate classification.
Comment: Variant summary: PAH c.194T>A (p.Ile65Asn) results in a non-conservative amino acid change located in the ACT domain (IPR002912) of the encoded protein sequence. Five of five in-silico tools predict a damaging effect of the variant on protein function. The variant was absent in 251202 control chromosomes. c.194T>A has been reported in the literature in multiple compound heterozygous or homozygous individuals affected with Phenylalanine Hydroxylase Deficiency (Phenylketonuria) (e.g. Balobaid_2023, Bosco_1998, Sarkissian_2012, Yan_2020). These data indicate that the variant is very likely to be associated with disease. A different variant affecting the same codon has been classified as pathogenic by our lab (c.194T>C, p.Ile65Thr), supporting the critical relevance of codon 65 to PAH protein function. To our knowledge, no experimental evidence demonstrating an impact on protein function has been reported. The following publications have been ascertained in the context of this evaluation (PMID: 37257178, 9521426, 23430918, 30747360). ClinVar contains an entry for this variant (Variation ID: 102623). Based on the evidence outlined above, the variant was classified as pathogenic.

DeBelle Laboratory for Biochemical Genetics, MUHC/MCH RESEARCH INSTITUTE
No classification provided. Review status: no classification provided. Collection method: not provided. Allele origin: not provided. Not counted in ClinVar's aggregate classification.

Literature cited by the submitters: PubMed 9521426 (cited by ClinGen PAH Variant Curation Expert Panel and Women's Health and Genetics/Laboratory Corporation of America, LabCorp); PubMed 23430918 (cited by Women's Health and Genetics/Laboratory Corporation of America, LabCorp); PubMed 30747360 (cited by Women's Health and Genetics/Laboratory Corporation of America, LabCorp); PubMed 37257178 (cited by Women's Health and Genetics/Laboratory Corporation of America, LabCorp).

NM_000277.3(PAH):c.194T>A (p.Ile65Asn)

Gene: PAH (phenylalanine hydroxylase; minus strand). Cytogenetic location: 12q23.2.
Variant type: single nucleotide variant.
Coding change: c.194T>A on transcript NM_000277.3 (MANE Select); coding-DNA position 194, T replaced by A.
Protein change: p.Ile65Asn; replaces isoleucine 65 with asparagine.
Molecular consequence: missense variant.
Genome position (GRCh38, 1-based): chr12:102,894,893, A>T on the plus strand (T>A on the coding strand, the complement: PAH is on the minus strand). VCF-style: chr12-102894893-A-T. GRCh37 (hg19) VCF-style: chr12-103288671-A-T.
Other names: NM_000277.2(PAH):c.194T>A; c.194T>A, p.Ile65Asn (NM_001354304.2); short protein forms I65N.
Identifiers: ClinVar variation 102623 (VCV000102623.4), dbSNP rs75193786, ClinGen allele CA229479.